The following is an entry in ClinVar:

NM_001048174.2(MUTYH):c.1447T>C (p.Ser483Pro)

Gene: MUTYH (mutY DNA glycosylase; minus strand). Cytogenetic location: 1p34.1.
Variant type: single nucleotide variant.
Coding change: c.1447T>C on transcript NM_001048174.2 (MANE Select); coding-DNA position 1447, T replaced by C.
Protein change: p.Ser483Pro; replaces serine 483 with proline.
Molecular consequence: missense variant. On other transcripts: non-coding transcript variant (7).
Genome position (GRCh38, 1-based): chr1:45,329,425, A>G on the plus strand (T>C on the coding strand, the complement: MUTYH is on the minus strand). VCF-style: chr1-45329425-A-G. GRCh37 (hg19) VCF-style: chr1-45795097-A-G.
Other names: c.1450T>C, p.Ser484Pro (NM_001407071.1, NM_001048172.2, NM_001407078.1 and 1 more transcripts); c.1447T>C, p.Ser483Pro (NM_001407072.1, NM_001407073.1, NM_001407088.1 and 6 more transcripts); c.1363T>C, p.Ser455Pro (NM_001407075.1); c.1171T>C, p.Ser391Pro (NM_001407091.1, NM_001293192.2, NM_001293196.2); c.1522T>C, p.Ser508Pro (NM_012222.3); c.1531T>C, p.Ser511Pro (NM_001128425.2); c.1492T>C, p.Ser498Pro (NM_001293190.2); c.1480T>C, p.Ser494Pro (NM_001293191.2, NM_001407069.1, NM_001407077.1); and 5 more; short protein forms S455P, S484P, S391P, S490P, S494P, S508P, S511P, S368P.
Identifiers: ClinVar variation 4113334 (VCV004113334.1).

ClinVar aggregate classification (germline): Uncertain significance (1 of 4 stars; one submission).

Conditions:
Hereditary cancer-predisposing syndrome. Also called: Tumor predisposition; Neoplastic Syndromes, Hereditary; Hereditary neoplastic syndrome; Hereditary Cancer Syndrome. Identifiers: Orphanet 140162, MedGen C0027672, MeSH D009386, MONDO:0015356.

Submission:

Ambry Genetics
Classification: Uncertain significance for Hereditary cancer-predisposing syndrome. Last evaluated: 2025-08-27. Review status: criteria provided, single submitter. Criteria: Ambry Variant Classification Scheme 2023. Collection method: clinical testing. Allele origin: germline.
Comment: The p.S511P variant (also known as c.1531T>C), located in coding exon 16 of the MUTYH gene, results from a T to C substitution at nucleotide position 1531. The serine at codon 511 is replaced by proline, an amino acid with similar properties. This amino acid position is conserved. In addition, this alteration is predicted to be tolerated by in silico analysis. Based on the available evidence, the clinical significance of this variant remains unclear.